The following is an entry in ClinVar:

ClinVar aggregate classification (germline): Uncertain significance. Review status: criteria provided, multiple submitters, no conflicts (2 of 4 stars). 2 submissions from 2 submitters: Uncertain significance (2). Last evaluated 2025-01-17.

Conditions:
Inborn genetic diseases. Identifiers: MedGen C0950123, MeSH D030342.

Allele frequency attached by ClinVar (database versions not stated): gnomAD 0.00001; TOPMed 0.00001; ExAC 0.00002.
gnomAD v4.1: 18 of 1,612,910 alleles (0.0011%); highest among the groups gnomAD compares: East Asian, 0.011%; no homozygotes.

Submissions (2):

Ambry Genetics
Classification: Uncertain significance for Inborn genetic diseases. Last evaluated: 2025-01-17. Review status: criteria provided, single submitter. Criteria: Ambry Variant Classification Scheme 2023. Collection method: clinical testing. Allele origin: germline.

Labcorp Genetics (formerly Invitae), Labcorp
Classification: Uncertain significance. Last evaluated: 2024-11-10. Review status: criteria provided, single submitter. Criteria: Invitae Variant Classification Sherloc (09022015). Collection method: clinical testing. Allele origin: germline.
Comment: This sequence change replaces serine, which is neutral and polar, with leucine, which is neutral and non-polar, at codon 194 of the ALPK1 protein (p.Ser194Leu). This variant is present in population databases (rs775130609, gnomAD 0.02%). This variant has not been reported in the literature in individuals affected with ALPK1-related conditions. This missense change has been observed in at least one individual who was not affected with ALPK1-related conditions (internal data). ClinVar contains an entry for this variant (Variation ID: 2720876). Invitae Evidence Modeling of protein sequence and biophysical properties (such as structural, functional, and spatial information, amino acid conservation, physicochemical variation, residue mobility, and thermodynamic stability) indicates that this missense variant is expected to disrupt ALPK1 protein function with a positive predictive value of 80%. In summary, the available evidence is currently insufficient to determine the role of this variant in disease. Therefore, it has been classified as a Variant of Uncertain Significance.

NM_025144.4(ALPK1):c.581C>T (p.Ser194Leu)

Gene: ALPK1 (alpha kinase 1; plus strand). Cytogenetic location: 4q25.
Variant type: single nucleotide variant.
Coding change: c.581C>T on transcript NM_025144.4 (MANE Select); coding-DNA position 581, C replaced by T.
Protein change: p.Ser194Leu; replaces serine 194 with leucine.
Molecular consequence: missense variant.
Genome position (GRCh38, 1-based): chr4:112,425,710, C>T. VCF-style: chr4-112425710-C-T. GRCh37 (hg19) VCF-style: chr4-113346866-C-T.
Other names: c.581C>T (NM_025144.3); c.581C>T, p.Ser194Leu (NM_001102406.2); c.347C>T, p.Ser116Leu (NM_001253884.2); short protein forms S194L, S116L.
Identifiers: ClinVar variation 2720876 (VCV002720876.4), dbSNP rs775130609, ClinGen allele CA3046453.